The following is an entry in ClinVar:

NM_022168.4(IFIH1):c.1801G>A (p.Ala601Thr)

Gene: IFIH1 (interferon induced with helicase C domain 1; minus strand). Cytogenetic location: 2q24.2.
Variant type: single nucleotide variant.
Coding change: c.1801G>A on transcript NM_022168.4 (MANE Select); coding-DNA position 1801, G replaced by A.
Protein change: p.Ala601Thr; replaces alanine 601 with threonine.
Molecular consequence: missense variant.
Genome position (GRCh38, 1-based): chr2:162,277,658, C>T on the plus strand (G>A on the coding strand, the complement: IFIH1 is on the minus strand). VCF-style: chr2-162277658-C-T. GRCh37 (hg19) VCF-style: chr2-163134168-C-T.
Other names: short protein forms A601T.
Identifiers: ClinVar variation 2928751 (VCV002928751.3), dbSNP rs765761238, ClinGen allele CA1934382.

ClinVar aggregate classification (germline): Uncertain significance (1 of 4 stars; one submission).

Conditions:
Aicardi-Goutieres syndrome 7 (AGS7). Identifiers: Orphanet 51, MedGen C3888244, MONDO:0014367, OMIM 615846.
Singleton-Merten syndrome 1 (SGMRT1). Also called: Widened medullary cavities of bone, aortic calcification, abnormal dentition, and muscular weakness; Syndrome of widened medullary cavities of the metacarpals and phalanges, aortic calcification and abnormal dentition. Identifiers: Orphanet 85191, MedGen C4225427, MONDO:0024535, OMIM 182250.

Allele frequency attached by ClinVar (database versions not stated): TOPMed 0.00001; ExAC 0.00002; gnomAD exomes 0.00002; gnomAD 0.00004.
gnomAD v4.1: 31 of 1,609,582 alleles (0.0019%); highest among the groups gnomAD compares: Non-Finnish European, 0.000085%; no homozygotes.

Submission:

Labcorp Genetics (formerly Invitae), Labcorp
Classification: Uncertain significance for Aicardi-Goutieres syndrome 7; Singleton-Merten syndrome 1. Last evaluated: 2024-04-25. Review status: criteria provided, single submitter. Criteria: Invitae Variant Classification Sherloc (09022015). Collection method: clinical testing. Allele origin: germline.
Comment: This sequence change replaces alanine, which is neutral and non-polar, with threonine, which is neutral and polar, at codon 601 of the IFIH1 protein (p.Ala601Thr). This variant is present in population databases (rs765761238, gnomAD 0.04%). This variant has not been reported in the literature in individuals affected with IFIH1-related conditions. Algorithms developed to predict the effect of missense changes on protein structure and function output the following: SIFT: "Not Available"; PolyPhen-2: "Benign"; Align-GVGD: "Not Available". The threonine amino acid residue is found in multiple mammalian species, which suggests that this missense change does not adversely affect protein function. In summary, the available evidence is currently insufficient to determine the role of this variant in disease. Therefore, it has been classified as a Variant of Uncertain Significance.